The following is an entry in ClinVar:

NM_002075.4(GNB3):c.57+6T>C

Gene: GNB3 (G protein subunit beta 3; plus strand). Cytogenetic location: 12p13.31.
Variant type: single nucleotide variant.
Coding change: c.57+6T>C on transcript NM_002075.4 (MANE Select); 6 bases into the intron after coding-DNA position 57, T replaced by C.
Molecular consequence: intron variant.
Genome position (GRCh38, 1-based): chr12:6,841,350, T>C. VCF-style: chr12-6841350-T-C. GRCh37 (hg19) VCF-style: chr12-6950514-T-C.
Other names: c.57+6T>C (NM_001297571.2).
Identifiers: ClinVar variation 1943283 (VCV001943283.5), dbSNP rs2542343242, ClinGen allele CA912974108.

ClinVar aggregate classification (germline): Uncertain significance (1 of 4 stars; one submission).

Submission:

Labcorp Genetics (formerly Invitae), Labcorp
Classification: Uncertain significance. Last evaluated: 2022-08-22. Review status: criteria provided, single submitter. Criteria: Invitae Variant Classification Sherloc (09022015). Collection method: clinical testing. Allele origin: germline.
Comment: This variant has not been reported in the literature in individuals affected with GNB3-related conditions. In summary, the available evidence is currently insufficient to determine the role of this variant in disease. Therefore, it has been classified as a Variant of Uncertain Significance. Variants that disrupt the consensus splice site are a relatively common cause of aberrant splicing (PMID: 17576681, 9536098). Algorithms developed to predict the effect of sequence changes on RNA splicing suggest that this variant is not likely to affect RNA splicing. This variant is not present in population databases (gnomAD no frequency). This sequence change falls in intron 2 of the GNB3 gene. It does not directly change the encoded amino acid sequence of the GNB3 protein. It affects a nucleotide within the consensus splice site.

Literature cited by the submitters: PubMed 17576681; PubMed 9536098.